The following is an entry in ClinVar:

ClinVar aggregate classification (germline): Likely benign (0 of 4 stars; one submission).

Conditions:
ADGRL2-related disorder. Also called: ADGRL2-related condition.

Submission:

PreventionGenetics, part of Exact Sciences
Classification: Likely benign for ADGRL2-related condition. Last evaluated: 2019-09-05. Review status: no assertion criteria provided. Collection method: clinical testing. Allele origin: germline.
Comment: This variant is classified as likely benign based on ACMG/AMP sequence variant interpretation guidelines (Richards et al. 2015 PMID: 25741868, with internal and published modifications).

NM_001366006.2(ADGRL2):c.3509-9_3509-8del

Gene: ADGRL2 (adhesion G protein-coupled receptor L2; plus strand). Cytogenetic location: 1p31.1.
Variant type: Deletion.
Coding change: c.3509-9_3509-8del on transcript NM_001366006.2 (MANE Select); 9 bases into the intron before coding-DNA position 3509 through 8 bases into the intron before coding-DNA position 3509, 2 bases deleted (TT; older notation c.3509-9_3509-8delTT).
Molecular consequence: intron variant.
Genome position (GRCh38, 1-based): chr1:81,986,892-81,986,893, TT deleted; deleting any 2 consecutive bases within chr1:81,986,882-81,986,893 gives the same sequence; the c. name uses the placement nearest the transcript's 3' end. VCF-style (leftmost placement, unchanged base first): chr1-81986881-GTT-G. GRCh37 (hg19) VCF-style: chr1-82452565-GTT-G.
Other names: c.3509-9_3509-8del (NM_001366003.2, NM_001366004.2, NM_001366008.2 and 3 more transcripts); c.3457+1537_3457+1538del (NM_001297704.3, NM_012302.5, NM_001393351.1 and 2 more transcripts); c.3496+1537_3496+1538del (NM_001330645.3, NM_001393350.1); c.3458-397_3458-396del (NM_001297705.3, NM_001393353.1); c.3360+2181_3360+2182del (NM_001297706.3); c.3458-368_3458-367del (NM_001350699.2, NM_001393354.1); c.3497-397_3497-396del (NM_001366009.2); c.3554-9_3554-8del (NM_001366007.2).
Identifiers: ClinVar variation 3053882 (VCV003053882.2), dbSNP rs749897834, ClinGen allele CA923037.